The following is an entry in ClinVar:

ClinVar aggregate classification (germline): Benign/Likely benign. Review status: criteria provided, multiple submitters, no conflicts (2 of 4 stars). 3 submissions from 3 submitters: Benign (1); Likely benign (2). Last evaluated 2025-05-14.

Conditions:
Tuberous sclerosis 2 (TSC2). Identifiers: Orphanet 805, MedGen C1860707, MONDO:0013199, OMIM 613254.
Hereditary cancer-predisposing syndrome. Also called: Hereditary neoplastic syndrome; Hereditary Cancer Syndrome; Neoplastic Syndromes, Hereditary; Tumor predisposition. Identifiers: Orphanet 140162, MedGen C0027672, MeSH D009386, MONDO:0015356.

Submissions (3):

Myriad Genetics, Inc.
Classification: Benign for Tuberous sclerosis 2. Last evaluated: 2025-05-14. Review status: criteria provided, single submitter. Criteria: Myriad Autosomal Dominant, Autosomal Recessive and X-Linked Classification Criteria (2023). Collection method: clinical testing. Allele origin: unknown.
Comment: This variant is considered benign. This variant is a silent/synonymous amino acid change and it is not expected to impact splicing.

Ambry Genetics
Classification: Likely benign for Hereditary cancer-predisposing syndrome. Last evaluated: 2025-04-17. Review status: criteria provided, single submitter. Criteria: Ambry Variant Classification Scheme 2023. Collection method: clinical testing. Allele origin: germline.

Labcorp Genetics (formerly Invitae), Labcorp
Classification: Likely benign for Tuberous sclerosis 2. Last evaluated: 2024-04-13. Review status: criteria provided, single submitter. Criteria: Invitae Variant Classification Sherloc (09022015). Collection method: clinical testing. Allele origin: germline.

NM_000548.5(TSC2):c.1455T>A (p.Ile485=)

Gene: TSC2 (TSC complex subunit 2; plus strand). Cytogenetic location: 16p13.3.
Variant type: single nucleotide variant.
Coding change: c.1455T>A on transcript NM_000548.5 (MANE Select); coding-DNA position 1455, T replaced by A.
Protein change: p.Ile485=; no amino-acid change (isoleucine 485 retained).
Molecular consequence: synonymous variant. On other transcripts: 5 prime UTR variant (1), non-coding transcript variant (5).
Genome position (GRCh38, 1-based): chr16:2,064,283, T>A. VCF-style: chr16-2064283-T-A. GRCh37 (hg19) VCF-style: chr16-2114284-T-A.
Other names: c.1455T>A, p.Ile485= (NM_001077183.3, NM_001114382.3, NM_001363528.2 and 6 more transcripts); c.1344T>A, p.Ile448= (NM_001318827.2, NM_001406670.1, NM_001406678.1); c.1308T>A, p.Ile436= (NM_001318829.2, NM_001406675.1, NM_001406676.1 and 1 more transcripts); c.855T>A, p.Ile285= (NM_001318831.2, NM_001406680.1, NM_001406682.1 and 6 more transcripts); c.1488T>A, p.Ile496= (NM_001318832.2); c.1545T>A, p.Ile515= (NM_001406667.1, NM_001406668.1); c.1443T>A, p.Ile481= (NM_001406671.1, NM_001406673.1); c.1398T>A, p.Ile466= (NM_001406677.1); and 3 more.
Identifiers: ClinVar variation 3649739 (VCV003649739.4).